The following is an entry in ClinVar:

NM_032043.3(BRIP1):c.2258-3A>C

Gene: BRIP1 (BRCA1 interacting DNA helicase 1; minus strand). Cytogenetic location: 17q23.2.
Variant type: single nucleotide variant.
Coding change: c.2258-3A>C on transcript NM_032043.3 (MANE Select); 3 bases into the intron before coding-DNA position 2258, A replaced by C.
Molecular consequence: intron variant.
Genome position (GRCh38, 1-based): chr17:61,743,137, T>G on the plus strand (A>C on the coding strand, the complement: BRIP1 is on the minus strand). VCF-style: chr17-61743137-T-G. GRCh37 (hg19) VCF-style: chr17-59820498-T-G.
Identifiers: ClinVar variation 853218 (VCV000853218.10), dbSNP rs786203561, ClinGen allele CA916081897.

ClinVar aggregate classification (germline): Uncertain significance (1 of 4 stars; one submission).

Conditions:
Familial cancer of breast. Also called: hereditary breast carcinoma; BREAST CANCER, FAMILIAL; Hereditary breast cancer. Identifiers: Orphanet 227535, MedGen C0346153, MONDO:0016419, OMIM 114480. Disease mechanism: loss of function.
Fanconi anemia complementation group J. Also called: BRIP1-Related Fanconi Anemia. Identifiers: Orphanet 84, MedGen C1836860, MONDO:0012187, OMIM 609054.

Submission:

Labcorp Genetics (formerly Invitae), Labcorp
Classification: Uncertain significance for Familial cancer of breast; Fanconi anemia complementation group J. Last evaluated: 2019-01-25. Review status: criteria provided, single submitter. Criteria: Invitae Variant Classification Sherloc (09022015). Collection method: clinical testing. Allele origin: germline.
Comment: In summary, the available evidence is currently insufficient to determine the role of this variant in disease. Therefore, it has been classified as a Variant of Uncertain Significance. Nucleotide substitutions within the consensus splice site are a relatively common cause of aberrant splicing (PMID: 17576681, 9536098). Algorithms developed to predict the effect of sequence changes on RNA splicing suggest that this variant may create or strengthen a splice site, but this prediction has not been confirmed by published transcriptional studies. This variant has not been reported in the literature in individuals with BRIP1-related conditions. This variant is not present in population databases (ExAC no frequency). This sequence change falls in intron 15 of the BRIP1 gene. It does not directly change the encoded amino acid sequence of the BRIP1 protein, but it affects a nucleotide within the consensus splice site of the intron.

Literature cited by the submitters: PubMed 17576681; PubMed 9536098.